The following is an entry in ClinVar:

NM_000371.4(TTR):c.437A>G (p.Lys146Arg)

Gene: TTR (transthyretin; plus strand). Cytogenetic location: 18q12.1.
Variant type: single nucleotide variant.
Coding change: c.437A>G on transcript NM_000371.4 (MANE Select); coding-DNA position 437, A replaced by G.
Protein change: p.Lys146Arg; replaces lysine 146 with arginine.
Molecular consequence: missense variant.
Genome position (GRCh38, 1-based): chr18:31,598,668, A>G. VCF-style: chr18-31598668-A-G. GRCh37 (hg19) VCF-style: chr18-29178631-A-G.
Other names: p.K146R:AAG>AGG; short protein forms K146R.
Identifiers: ClinVar variation 181706 (VCV000181706.21), dbSNP rs536294863, ClinGen allele CA297551.
Genomic context (GRCh38, chr18:31,598,668, plus strand): 5'-CCATTGCCGCCCTGCTGAGCCCCTACTCCTATTCCACCACGGCTGTCGTCACCAATCCCA[A>G]GGAATGAGGGACTTCTCCTCCAGTGGACCTGAAGGACGAGGGATGGGATTTCATGTAACC-3'
Protein context (NP_000362.1, residues 136-147): YSTTAVVTNP[Lys146Arg]E

ClinVar aggregate classification (germline): Benign/Likely benign. Review status: criteria provided, multiple submitters, no conflicts (2 of 4 stars). 7 submissions from 7 submitters: Benign (1); Likely benign (6). Last evaluated 2025-11-24.

Conditions:
TTR-related disorder. Also called: TTR-related disorders; TTR-related condition.
Cardiovascular phenotype. Identifiers: MedGen CN230736.
Amyloidosis, hereditary systemic 1 (AMYLD1). Also called: Isolated Cardiac Amyloidosis; Amyloid Cardiomyopathy, Transthyretin-related; Hereditary oculoleptomeningeal amyloid angiopathy; Familial Transthyretin Amyloidosis; AMYLOID CARDIOMYOPATHY; Hereditary Transthyretin Amyloidosis. Identifiers: Orphanet 85447, Orphanet 85451, MedGen C2751492, MONDO:0971004, OMIM 105210.

Allele frequency attached by ClinVar (database versions not stated): gnomAD 0.00005; gnomAD exomes 0.00016 and 0.00035; TOPMed 0.00017; 1000 Genomes Project 0.00020; 1000 Genomes Project 30x 0.00031; ExAC 0.00040.
gnomAD v4.1: 107 of 1,614,150 alleles (0.0066%); highest among the groups gnomAD compares: Admixed American, 0.17%; no homozygotes.

Submissions (7):

PreventionGenetics, part of Exact Sciences
Classification: Likely benign for TTR-related condition. Last evaluated: 2025-11-24. Review status: criteria provided, single submitter. Criteria: ACMG Guidelines, 2015. Collection method: clinical testing. Allele origin: germline.
Comment: This variant is classified as likely benign based on ACMG/AMP sequence variant interpretation guidelines (Richards et al. 2015 PMID: 25741868, with internal and published modifications).

Labcorp Genetics (formerly Invitae), Labcorp
Classification: Likely benign for Amyloidosis, hereditary systemic 1. Last evaluated: 2025-10-31. Review status: criteria provided, single submitter. Criteria: Invitae Variant Classification Sherloc (09022015). Collection method: clinical testing. Allele origin: germline.

ARUP Laboratories, Molecular Genetics and Genomics, ARUP Laboratories
Classification: Likely benign. Last evaluated: 2025-02-28. Review status: criteria provided, single submitter. Criteria: ARUP Molecular Germline Variant Investigation Process 2024. Collection method: clinical testing. Allele origin: germline.

Blueprint Genetics
Classification: Likely benign. Last evaluated: 2023-04-25. Review status: criteria provided, single submitter. Criteria: ACMG Guidelines, 2015. Collection method: clinical testing. Allele origin: germline.

GeneDx
Classification: Likely benign. Last evaluated: 2020-07-30. Review status: criteria provided, single submitter. Criteria: GeneDx Variant Classification Process June 2021. Collection method: clinical testing. Allele origin: germline. Affected: yes.

Ambry Genetics
Classification: Likely benign for Cardiovascular phenotype. Last evaluated: 2019-04-27. Review status: criteria provided, single submitter. Criteria: Ambry Variant Classification Scheme 2023. Collection method: clinical testing. Allele origin: germline.

Women's Health and Genetics/Laboratory Corporation of America, LabCorp
Classification: Benign. Last evaluated: 2017-05-18. Review status: criteria provided, single submitter. Criteria: LabCorp Variant Classification Summary - May 2015. Collection method: clinical testing. Allele origin: germline.
Comment: Variant summary: The TTR c.437A>G (p.Lys146Arg) variant involves the alteration of a non-conserved nucleotide. 5/5 in silico tools predict a benign outcome for this variant. This variant was found in 48/121306 control chromosomes, predominantly observed in the Latino subpopulation at a frequency of 0.004151 (48/11564). This frequency is about 133 times the estimated maximal expected allele frequency of a pathogenic TTR variant (0.0000313), suggesting this is likely a benign polymorphism found primarily in the populations of Latino origin. In addition, multiple clinical diagnostic laboratories/reputable databases classified this variant as likely benign. Taken together, this variant is classified as benign.

Literature cited by the submitters: PubMed 27501389 (cited by Women's Health and Genetics/Laboratory Corporation of America, LabCorp).